The following is an entry in ClinVar:

ClinVar aggregate classification (germline): Likely benign (1 of 4 stars; one submission).

gnomAD v4.1: 1,195 of 1,614,174 alleles (0.074%); highest among the groups gnomAD compares: South Asian, 0.94%; 15 homozygotes.

Submission:

CeGaT Center for Human Genetics Tuebingen
Classification: Likely benign. Last evaluated: 2025-10-01. Review status: criteria provided, single submitter. Criteria: CeGaT Center For Human Genetics Tuebingen Variant Classification Criteria Version 2. Collection method: clinical testing. Allele origin: germline. Affected: yes. Observed: 4 variant alleles.
Comment: LGI3: BP4, BP7, BS2

NM_139278.4(LGI3):c.975C>T (p.Arg325=)

Gene: LGI3 (leucine rich repeat LGI family member 3; minus strand). Cytogenetic location: 8p21.3.
Variant type: single nucleotide variant.
Coding change: c.975C>T on transcript NM_139278.4 (MANE Select); coding-DNA position 975, C replaced by T.
Protein change: p.Arg325=; no amino-acid change (arginine 325 retained).
Molecular consequence: synonymous variant.
Genome position (GRCh38, 1-based): chr8:22,148,832, G>A on the plus strand (C>T on the coding strand, the complement: LGI3 is on the minus strand). VCF-style: chr8-22148832-G-A. GRCh37 (hg19) VCF-style: chr8-22006345-G-A.
Identifiers: ClinVar variation 3770817 (VCV003770817.13).